The following is an entry in ClinVar:

NM_004387.4(NKX2-5):c.351G>C (p.Gln117His)

Gene: NKX2-5 (NK2 homeobox 5; minus strand). Cytogenetic location: 5q35.1.
Variant type: single nucleotide variant.
Coding change: c.351G>C on transcript NM_004387.4 (MANE Select); coding-DNA position 351, G replaced by C.
Protein change: p.Gln117His; replaces glutamine 117 with histidine.
Molecular consequence: missense variant. On other transcripts: 3 prime UTR variant (2).
Genome position (GRCh38, 1-based): chr5:173,233,193, C>G on the plus strand (G>C on the coding strand, the complement: NKX2-5 is on the minus strand). VCF-style: chr5-173233193-C-G. GRCh37 (hg19) VCF-style: chr5-172660196-C-G.
Other names: c.*304G>C (NM_001166175.2); c.*150G>C (NM_001166176.2); short protein forms Q117H.
Identifiers: ClinVar variation 1732255 (VCV001732255.3), dbSNP rs2480073712, ClinGen allele CA362162035.
Genomic context (GRCh38, chr5:173,233,193, plus strand): 5'-CCGTCGCGCCCGGGGCCGCTCCGCGTTGTCCGCCTCTGTCTTCTCCAGCTCCACCGCCTT[C>G]TGCAGCGCGCACAGCTCTGAGGGGGAACAGAGAGGCAGAGAGACGCTTGGTAAGAGCGGC-3'
Protein context (NP_004378.1, residues 107-127): RAEKKELCAL[Gln117His]KAVELEKTEA

ClinVar aggregate classification (germline): Uncertain significance (1 of 4 stars; one submission).

Conditions:
Cardiovascular phenotype. Identifiers: MedGen CN230736.

Allele frequency attached by ClinVar (database versions not stated): gnomAD exomes below 0.00001.
gnomAD v4.1: 1 of 1,601,158 alleles (0.000062%); highest among the groups gnomAD compares: Non-Finnish European, 0.000085%; no homozygotes.

Submission:

Ambry Genetics
Classification: Uncertain significance for Cardiovascular phenotype. Last evaluated: 2025-09-17. Review status: criteria provided, single submitter. Criteria: Ambry Variant Classification Scheme 2023. Collection method: clinical testing. Allele origin: germline.
Comment: The p.Q117H variant (also known as c.351G>C), located in coding exon 2 of the NKX2-5 gene, results from a G to C substitution at nucleotide position 351. The glutamine at codon 117 is replaced by histidine, an amino acid with highly similar properties. This alteration has been reported in a non-syndromic congenital heart defect cohort; however, clinical details were limited (Pulignani S et al. Pediatr Cardiol, 2018 Apr;39:682-689). This amino acid position is not well conserved in available vertebrate species. In addition, this alteration is predicted to be tolerated by in silico analysis. Since supporting evidence is limited at this time, the clinical significance of this alteration remains unclear.

Literature cited by the submitters: PubMed 29332214.